The following is an entry in ClinVar:

NM_000551.4(VHL):c.332G>A (p.Ser111Asn)

Gene: VHL (von Hippel-Lindau tumor suppressor; plus strand). Cytogenetic location: 3p25.3.
Variant type: single nucleotide variant.
Coding change: c.332G>A on transcript NM_000551.4 (MANE Select); coding-DNA position 332, G replaced by A.
Protein change: p.Ser111Asn; replaces serine 111 with asparagine.
Molecular consequence: missense variant.
Genome position (GRCh38, 1-based): chr3:10,142,179, G>A. VCF-style: chr3-10142179-G-A. GRCh37 (hg19) VCF-style: chr3-10183863-G-A.
Other names: c.332G>A, p.Ser111Asn (NM_001354723.2, NM_198156.3); short protein forms S111N.
Identifiers: ClinVar variation 223186 (VCV000223186.8), dbSNP rs869025631, ClinGen allele CA357091.
Genomic context (GRCh38, chr3:10,142,179, plus strand): 5'-TCGACGGCGAGCCGCAGCCCTACCCAACGCTGCCGCCTGGCACGGGCCGCCGCATCCACA[G>A]CTACCGAGGTACGGGCCCGGCGCTTAGGCCCGACCCAGCAGGGACGATAGCACGGTCTGA-3'
Protein context (NP_000542.1, residues 101-121): LPPGTGRRIH[Ser111Asn]YRGHLWLFRD

ClinVar aggregate classification (germline): Pathogenic. Review status: criteria provided, multiple submitters, no conflicts (2 of 4 stars). 4 submissions from 4 submitters: Pathogenic (3). 1 of the submissions does not count toward it. Last evaluated 2022-04-02.

Conditions:
Von Hippel-Lindau syndrome (VHLS). Also called: Von Hippel-Lindau; von Hippel–Lindau syndrome; VHL syndrome. Identifiers: Orphanet 892, MedGen C0019562, MONDO:0008667, OMIM 193300. Disease mechanism: loss of function.
Chuvash polycythemia. Also called: POLYCYTHEMIA, VHL-DEPENDENT. Identifiers: Orphanet 238557, MedGen C1837915, MONDO:0009892, OMIM 263400.
Hereditary cancer-predisposing syndrome. Also called: Tumor predisposition; Hereditary neoplastic syndrome; Neoplastic Syndromes, Hereditary; Hereditary Cancer Syndrome. Identifiers: Orphanet 140162, MedGen C0027672, MeSH D009386, MONDO:0015356.

Submissions (4):

Labcorp Genetics (formerly Invitae), Labcorp
Classification: Pathogenic for Von Hippel-Lindau syndrome; Chuvash polycythemia. Last evaluated: 2022-04-02. Review status: criteria provided, single submitter. Criteria: Invitae Variant Classification Sherloc (09022015). Collection method: clinical testing. Allele origin: germline.
Comment: For these reasons, this variant has been classified as Pathogenic. This sequence change replaces serine, which is neutral and polar, with asparagine, which is neutral and polar, at codon 111 of the VHL protein (p.Ser111Asn). This variant is not present in population databases (gnomAD no frequency). This missense change has been observed in individuals with von Hippel-Lindau syndrome (PMID: 7728151, 27527340, 28849724). ClinVar contains an entry for this variant (Variation ID: 223186). Advanced modeling of protein sequence and biophysical properties (such as structural, functional, and spatial information, amino acid conservation, physicochemical variation, residue mobility, and thermodynamic stability) performed at Invitae indicates that this missense variant is expected to disrupt VHL protein function. This variant disrupts the p.Ser111 amino acid residue in VHL. Other variant(s) that disrupt this residue have been determined to be pathogenic (PMID: 7728151, 12114495, 16868829, 22071692, 25562111; Invitae). This suggests that this residue is clinically significant, and that variants that disrupt this residue are likely to be disease-causing.

Women's Health and Genetics/Laboratory Corporation of America, LabCorp
Classification: Pathogenic for Von Hippel-Lindau syndrome. Last evaluated: 2016-02-05. Review status: criteria provided, single submitter. Criteria: LabCorp Variant Classification Summary - May 2015. Collection method: clinical testing. Allele origin: germline.
Comment: Variant summary: This c.332G>A variant affects a conserved nucleotide, resulting in amino acid change from Ser to Asn. Although 4/4 in-silico tools predict this variant to be benign, no functional studies have been performed to confirm these predictions. This variant was not found in approximately 92088 control chromosomes including the broad and large populations from ExAC. In literature, the variant has been widely reported as a pathogenic variant found in several patients/families with VHL disease, including somatic occurrences. This p.Ser111 is likely to be a mutational hot-spot where other likely pathogenic variant [such as p.S111R (c.331A>C and c.333C>G), p.S111C, p.S111I, etc.] have also been reported. At least one reputable database classifies the variant as pathogenic. Taken together, this variant has been classified as a Pathogenic.

Ambry Genetics
Classification: Pathogenic for Hereditary cancer-predisposing syndrome. Last evaluated: 2013-06-07. Review status: criteria provided, single submitter. Criteria: Ambry Autosomal Dominant and X-Linked criteria (10/2015). Collection method: clinical testing. Allele origin: germline. Observed: 1 variant allele.
Comment: The p.S111N mutation (also known as c.332G>A) is located in exon 1 of the VHL gene. This alteration results from a G to A substitution at nucleotide position 332. The serine at codon 111 is replaced by asparagine, an amino acid with similar properties. This mutation has been reported in many VHL families affected with retinal angiomas, CNS hemangioblastomas, and renal cell carcinoma. None of the families in the literature had a history of pheochromocytomas which would fit the clinical description of VHL Type 1 (Chen et al. Human Mutation. 1995. 5:66-75; Maher et al. J Med Genet. 1996: 33328-332; Zbar et al. Human Mutation. 1996. 8:348-357; Ong et al. Human Mutation. 2007. 28(2):143-149; Zhang et al. J Cancer Res Clin Oncol. 2008. 134:1211-1218). Based on the available evidence, p.S111N is classified as a pathogenic mutation. This mutation has been referred to as p.S182N (c.545G>A) in older literature.

Genomic Diagnostic Laboratory, Division of Genomic Diagnostics, Children's Hospital of Philadelphia
Classification: Pathogenic for Von Hippel-Lindau syndrome. Last evaluated: 2016-02-26. Review status: no assertion criteria provided. Collection method: clinical testing. Allele origin: germline. Affected: yes. Observed: 7 variant alleles. Not counted in ClinVar's aggregate classification.

Literature cited by the submitters: PubMed 7728151 (cited by Labcorp Genetics (formerly Invitae), Labcorp and Women's Health and Genetics/Laboratory Corporation of America, LabCorp); PubMed 27527340 (cited by Labcorp Genetics (formerly Invitae), Labcorp); PubMed 28849724 (cited by Labcorp Genetics (formerly Invitae), Labcorp); PubMed 12114495 (cited by Labcorp Genetics (formerly Invitae), Labcorp); PubMed 16868829 (cited by Labcorp Genetics (formerly Invitae), Labcorp); PubMed 22071692 (cited by Labcorp Genetics (formerly Invitae), Labcorp); PubMed 25562111 (cited by Labcorp Genetics (formerly Invitae), Labcorp); PubMed 17997830 (cited by Women's Health and Genetics/Laboratory Corporation of America, LabCorp); PubMed 11058902 (cited by Women's Health and Genetics/Laboratory Corporation of America, LabCorp); PubMed 8956040 (cited by Women's Health and Genetics/Laboratory Corporation of America, LabCorp); PubMed 18446368 (cited by Women's Health and Genetics/Laboratory Corporation of America, LabCorp); PubMed 9829911 (cited by Women's Health and Genetics/Laboratory Corporation of America, LabCorp); PubMed 8730290 (cited by Women's Health and Genetics/Laboratory Corporation of America, LabCorp); PubMed 17024664 (cited by Women's Health and Genetics/Laboratory Corporation of America, LabCorp); PubMed 17407064 (cited by Women's Health and Genetics/Laboratory Corporation of America, LabCorp); PubMed 14722919 (cited by Women's Health and Genetics/Laboratory Corporation of America, LabCorp); PubMed 10088816 (cited by Women's Health and Genetics/Laboratory Corporation of America, LabCorp); PubMed 19408298 (cited by Women's Health and Genetics/Laboratory Corporation of America, LabCorp).